The following is an entry in ClinVar:

NM_001110556.2(FLNA):c.149C>G (p.Thr50Arg)

Gene: FLNA (filamin A; minus strand). Cytogenetic location: Xq28.
Variant type: single nucleotide variant.
Coding change: c.149C>G on transcript NM_001110556.2 (MANE Select); coding-DNA position 149, C replaced by G.
Protein change: p.Thr50Arg; replaces threonine 50 with arginine.
Molecular consequence: missense variant.
Genome position (GRCh38, 1-based): chrX:154,371,097, G>C on the plus strand (C>G on the coding strand, the complement: FLNA is on the minus strand). VCF-style: chrX-154371097-G-C. GRCh37 (hg19) VCF-style: chrX-153599465-G-C.
Other names: c.149C>G, p.Thr50Arg (NM_001456.4); short protein forms T50R.
Identifiers: ClinVar variation 1163783 (VCV001163783.7), dbSNP rs1557180204, ClinGen allele CA415255319.

ClinVar aggregate classification (germline): Uncertain significance. Review status: criteria provided, multiple submitters, no conflicts (2 of 4 stars). 2 submissions from 2 submitters: Uncertain significance (2). Last evaluated 2020-12-23.

Submissions (2):

Mayo Clinic Laboratories, Mayo Clinic
Classification: Uncertain significance. Last evaluated: 2020-12-23. Review status: criteria provided, single submitter. Criteria: ACMG Guidelines, 2015. Collection method: clinical testing. Allele origin: germline. Observed: 1 variant allele.

GeneDx
Classification: Uncertain significance. Last evaluated: 2019-07-02. Review status: criteria provided, single submitter. Criteria: GeneDx Variant Classification Process June 2021. Collection method: clinical testing. Allele origin: germline. Affected: yes.
Comment: Has not been previously published as pathogenic or benign to our knowledge; Not observed in large population cohorts (Lek et al., 2016); In silico analysis, which includes protein predictors and evolutionary conservation, supports a deleterious effect